The following is an entry in ClinVar:

NM_000465.4(BARD1):c.1991G>A (p.Arg664Lys)

Gene: BARD1 (BRCA1 associated RING domain 1; minus strand). Cytogenetic location: 2q35.
Variant type: single nucleotide variant.
Coding change: c.1991G>A on transcript NM_000465.4 (MANE Select); coding-DNA position 1991, G replaced by A.
Protein change: p.Arg664Lys; replaces arginine 664 with lysine.
Molecular consequence: missense variant. On other transcripts: non-coding transcript variant (3).
Genome position (GRCh38, 1-based): chr2:214,730,421, C>T on the plus strand (G>A on the coding strand, the complement: BARD1 is on the minus strand). VCF-style: chr2-214730421-C-T. GRCh37 (hg19) VCF-style: chr2-215595145-C-T.
Other names: c.1934G>A, p.Arg645Lys (NM_001282543.2); c.638G>A, p.Arg213Lys (NM_001282545.2); c.581G>A, p.Arg194Lys (NM_001282548.2); c.452G>A, p.Arg151Lys (NM_001282549.2); short protein forms R645K, R151K, R194K, R213K, R664K.
Identifiers: ClinVar variation 820476 (VCV000820476.11), dbSNP rs1574706698, ClinGen allele CA350451104.

ClinVar aggregate classification (germline): Uncertain significance. Review status: criteria provided, multiple submitters, no conflicts (2 of 4 stars). 3 submissions from 3 submitters: Uncertain significance (3). Last evaluated 2022-05-11.

Conditions:
Familial cancer of breast. Also called: BREAST CANCER, FAMILIAL; Hereditary breast cancer; hereditary breast carcinoma. Identifiers: Orphanet 227535, MedGen C0346153, MONDO:0016419, OMIM 114480. Disease mechanism: loss of function.
Hereditary cancer-predisposing syndrome. Also called: Neoplastic Syndromes, Hereditary; Tumor predisposition; Hereditary Cancer Syndrome; Hereditary neoplastic syndrome. Identifiers: Orphanet 140162, MedGen C0027672, MeSH D009386, MONDO:0015356.

Allele frequency attached by ClinVar (database versions not stated): gnomAD exomes below 0.00001.
gnomAD v4.1: 2 of 1,613,456 alleles (0.00012%); highest among the groups gnomAD compares: Non-Finnish European, 0.00017%; no homozygotes.

Submissions (3):

Ambry Genetics
Classification: Uncertain significance for Hereditary cancer-predisposing syndrome. Last evaluated: 2022-05-11. Review status: criteria provided, single submitter. Criteria: Ambry Variant Classification Scheme 2023. Collection method: clinical testing. Allele origin: germline.
Comment: The p.R664K variant (also known as c.1991G>A), located in coding exon 10 of the BARD1 gene, results from a G to A substitution at nucleotide position 1991. The arginine at codon 664 is replaced by lysine, an amino acid with highly similar properties. This amino acid position is well conserved in available vertebrate species. In addition, this alteration is predicted to be tolerated by in silico analysis. Since supporting evidence is limited at this time, the clinical significance of this alteration remains unclear.

Labcorp Genetics (formerly Invitae), Labcorp
Classification: Uncertain significance for Familial cancer of breast. Last evaluated: 2022-03-26. Review status: criteria provided, single submitter. Criteria: Invitae Variant Classification Sherloc (09022015). Collection method: clinical testing. Allele origin: germline.
Comment: ClinVar contains an entry for this variant (Variation ID: 820476). In summary, the available evidence is currently insufficient to determine the role of this variant in disease. Therefore, it has been classified as a Variant of Uncertain Significance. Algorithms developed to predict the effect of missense changes on protein structure and function output the following: SIFT: "Tolerated"; PolyPhen-2: "Benign"; Align-GVGD: "Class C0". The lysine amino acid residue is found in multiple mammalian species, which suggests that this missense change does not adversely affect protein function. This variant has not been reported in the literature in individuals affected with BARD1-related conditions. This variant is not present in population databases (gnomAD no frequency). This sequence change replaces arginine, which is basic and polar, with lysine, which is basic and polar, at codon 664 of the BARD1 protein (p.Arg664Lys).

Color Diagnostics, LLC DBA Color Health
Classification: Uncertain significance for Hereditary cancer-predisposing syndrome. Last evaluated: 2020-08-20. Review status: criteria provided, single submitter. Criteria: ACMG Guidelines, 2015. Collection method: clinical testing. Allele origin: germline.
Comment: This missense variant replaces arginine with lysine at codon 664 of the BARD1 protein. Computational prediction suggests that this variant may not impact protein structure and function (internally defined REVEL score threshold <= 0.5, PMID: 27666373). To our knowledge, functional studies have not been reported for this variant. This variant has not been reported in individuals affected with hereditary cancer in the literature. This variant has not been identified in the general population by the Genome Aggregation Database (gnomAD). The available evidence is insufficient to determine the role of this variant in disease conclusively. Therefore, this variant is classified as a Variant of Uncertain Significance.